The following is an entry in ClinVar:

ClinVar aggregate classification (germline): Uncertain significance (1 of 4 stars; one submission).

Conditions:
Lower motor neuron syndrome with late-adult onset (SMAJ). Also called: Spinal muscular atrophy, Jokela type; Late-Onset Spinal Motor Neuronopathy (SMAJ). Identifiers: Orphanet 276435, MedGen C3554398, MONDO:0014025, OMIM 615048.
Frontotemporal dementia and/or amyotrophic lateral sclerosis 2. Also called: FTDALS2. Identifiers: Orphanet 275872, MedGen C4014648, MONDO:0014395, OMIM 615911.
Autosomal dominant mitochondrial myopathy with exercise intolerance (IMMD). Also called: Myopathy, isolated mitochondrial, autosomal dominant. Identifiers: Orphanet 457050, MedGen C4015513, MONDO:0014532, OMIM 616209.

Submission:

Labcorp Genetics (formerly Invitae), Labcorp
Classification: Uncertain significance for Lower motor neuron syndrome with late-adult onset; Frontotemporal dementia and/or amyotrophic lateral sclerosis 2; Autosomal dominant mitochondrial myopathy with exercise intolerance. Last evaluated: 2018-09-18. Review status: criteria provided, single submitter. Criteria: Invitae Variant Classification Sherloc (09022015). Collection method: clinical testing. Allele origin: germline.
Comment: In summary, the available evidence is currently insufficient to determine the role of this variant in disease. Therefore, it has been classified as a Variant of Uncertain Significance. Algorithms developed to predict the effect of missense changes on protein structure and function are either unavailable or do not agree on the potential impact of this missense change (SIFT: "Tolerated"; PolyPhen-2: "Probably Damaging"; Align-GVGD: "Class C0"). This variant has not been reported in the literature in individuals with CHCHD10-related disease. This variant is not present in population databases (ExAC no frequency). This sequence change replaces alanine with proline at codon 72 of the CHCHD10 protein (p.Ala72Pro). The alanine residue is moderately conserved and there is a small physicochemical difference between alanine and proline.

NM_213720.3(CHCHD10):c.214G>C (p.Ala72Pro)

Gene: CHCHD10 (coiled-coil-helix-coiled-coil-helix domain containing 10; minus strand). Cytogenetic location: 22q11.23.
Variant type: single nucleotide variant.
Coding change: c.214G>C on transcript NM_213720.3 (MANE Select); coding-DNA position 214, G replaced by C.
Protein change: p.Ala72Pro; replaces alanine 72 with proline.
Molecular consequence: missense variant. On other transcripts: non-coding transcript variant (1).
Genome position (GRCh38, 1-based): chr22:23,767,421, C>G on the plus strand (G>C on the coding strand, the complement: CHCHD10 is on the minus strand). VCF-style: chr22-23767421-C-G. GRCh37 (hg19) VCF-style: chr22-24109608-C-G.
Other names: c.214G>C, p.Ala72Pro (NM_001301339.2); short protein forms A72P.
Identifiers: ClinVar variation 652563 (VCV000652563.8), dbSNP rs542541060, ClinGen allele CA410916072.
Genomic context (GRCh38, chr22:23,767,421, plus strand): 5'-ACTCGCTGCTCACCTGCTGGACAGCAGGCTGGGAGGGCTCCGAGCTCCCCCCGCTGAAGG[C>G]TCCGGTCAGGGCGCTGCCCATGACGTGTCCCACAGCCGAGCCCACGGCTACCCCTGCGGC-3'
Protein context (NP_998885.1, residues 62-82): GHVMGSALTG[Ala72Pro]FSGGSSEPSQ